The following is an entry in ClinVar:

NM_001032382.2(PQBP1):c.670C>T (p.Arg224Trp)

Gene: PQBP1 (polyglutamine binding protein 1; plus strand). Cytogenetic location: Xp11.23.
Variant type: single nucleotide variant.
Coding change: c.670C>T on transcript NM_001032382.2 (MANE Select); coding-DNA position 670, C replaced by T.
Protein change: p.Arg224Trp; replaces arginine 224 with tryptophan.
Molecular consequence: missense variant.
Genome position (GRCh38, 1-based): chrX:48,902,956, C>T. VCF-style: chrX-48902956-C-T. GRCh37 (hg19) VCF-style: chrX-48760233-C-T.
Other names: c.670C>T, p.Arg224Trp (NM_001032381.2, NM_001032383.2, NM_001032384.1 and 1 more transcripts); c.667C>T, p.Arg223Trp (NM_001167989.2); c.646C>T, p.Arg216Trp (NM_001167990.2); c.370C>T, p.Arg124Trp (NM_001167992.1); c.385C>T, p.Arg129Trp (NM_144495.3); short protein forms R216W, R224W, R124W, R129W, R223W.
Identifiers: ClinVar variation 2786791 (VCV002786791.3), dbSNP rs1557041832, ClinGen allele CA412891507.
Genomic context (GRCh38, chrX:48,902,956, plus strand): 5'-CCATCCCCATCCCCTGACTCTTTCACCGGCAGGGGCACGTGGTCAACAGGACTCCCCAAG[C>T]GGAATGAGGCCAAGACTGGCGCTGACACCACAGCAGCTGGGCCCCTCTTCCAGCAGCGGC-3'
Protein context (NP_001027554.1, residues 214-234): RGTWSTGLPK[Arg224Trp]NEAKTGADTT

ClinVar aggregate classification (germline): Uncertain significance (1 of 4 stars; one submission).

Allele frequency attached by ClinVar (database versions not stated): gnomAD exomes below 0.00001.

Submission:

Labcorp Genetics (formerly Invitae), Labcorp
Classification: Uncertain significance. Last evaluated: 2023-12-06. Review status: criteria provided, single submitter. Criteria: Invitae Variant Classification Sherloc (09022015). Collection method: clinical testing. Allele origin: germline.
Comment: This sequence change replaces arginine, which is basic and polar, with tryptophan, which is neutral and slightly polar, at codon 224 of the PQBP1 protein (p.Arg224Trp). This variant is not present in population databases (gnomAD no frequency). This variant has not been reported in the literature in individuals affected with PQBP1-related conditions. An algorithm developed to predict the effect of missense changes on protein structure and function (PolyPhen-2) suggests that this variant is likely to be disruptive. In summary, the available evidence is currently insufficient to determine the role of this variant in disease. Therefore, it has been classified as a Variant of Uncertain Significance.